The following is an entry in ClinVar:

NM_000138.5(FBN1):c.2753del (p.Pro918fs)

Gene: FBN1 (fibrillin 1; minus strand). Cytogenetic location: 15q21.1.
Variant type: Deletion.
Coding change: c.2753del on transcript NM_000138.5 (MANE Select); coding-DNA position 2753, one base deleted (C; older notation c.2753delC).
Protein change: p.Pro918fs; shifts the reading frame from proline 918.
Molecular consequence: frameshift variant.
Genome position (GRCh38, 1-based): chr15:48,492,562, G deleted on the plus strand (C on the coding strand, the reverse complement: FBN1 is on the minus strand); the first of 3 consecutive G bases (chr15:48,492,562-48,492,564); deleting any one gives the same sequence. VCF-style (leftmost placement, unchanged base first): chr15-48492561-TG-T. GRCh37 (hg19) VCF-style: chr15-48784758-TG-T.
Other names: p.Pro918Glnfs*24; c.2751delC, p.Pro918Glnfs (NM_000138.4, NM_001406716.1); short protein forms P918fs.
Identifiers: ClinVar variation 1707834 (VCV001707834.7), dbSNP rs2505564723, ClinGen allele CA2580089597.

ClinVar aggregate classification (germline): Pathogenic. Review status: criteria provided, multiple submitters, no conflicts (2 of 4 stars). 4 submissions from 4 submitters: Pathogenic (4). Last evaluated 2024-09-29.

Conditions:
Geleophysic dysplasia 2 (GPHYSD2). Identifiers: Orphanet 2623, MedGen C3280054, MONDO:0013612, OMIM 614185.
Ectopia lentis 1, isolated, autosomal dominant (ECTOL1). Identifiers: Orphanet 1885, MedGen C3541518, MONDO:0007514, OMIM 129600.
Progeroid and marfanoid aspect-lipodystrophy syndrome. Also called: MARFANOID-PROGEROID-LIPODYSTROPHY SYNDROME; MARFANOID-PROGEROID SYNDROME; MARFAN-PROGEROID-LIPODYSTROPHY SYNDROME; Marfan lipodystrophy syndrome. Identifiers: Orphanet 300382, MedGen C4310796, MONDO:0014831, OMIM 616914.
Marfan syndrome (MFS). Also called: Marfan's syndrome; Marfan syndrome, classic; MARFAN SYNDROME, TYPE I; Marfan syndrome type 1; FBN1-Related Marfan Syndrome. Identifiers: Orphanet 284963, Orphanet 558, MedGen C0024796, MONDO:0007947, OMIM 154700.
Stiff skin syndrome (SSKS). Identifiers: Orphanet 2833, MedGen C1861456, MONDO:0008492, OMIM 184900.
Acromicric dysplasia (ACMICD). Also called: Acromicric skeletal dysplasia. Identifiers: Orphanet 969, MedGen C0265287, MONDO:0007055, OMIM 102370.
Weill-Marchesani syndrome 2, dominant. Also called: FBN1-Related Weill-Marchesani Syndrome; Weill-Marchesani Syndrome, Autosomal Dominant. Identifiers: Orphanet 2084, MedGen C1869115, MONDO:0012013, OMIM 608328.
MASS syndrome (OCTD). Also called: MASS PHENOTYPE; OVERLAP CONNECTIVE TISSUE DISEASE. Identifiers: MedGen C1858556, MONDO:0011431, OMIM 604308.
Familial thoracic aortic aneurysm and aortic dissection (TAAD). Also called: Thoracic aortic aneurysms and dissections. Identifiers: Orphanet 91387, MedGen C4707243, MONDO:0019625.

Submissions (4):

Labcorp Genetics (formerly Invitae), Labcorp
Classification: Pathogenic for Marfan syndrome; Familial thoracic aortic aneurysm and aortic dissection. Last evaluated: 2024-09-29. Review status: criteria provided, single submitter. Criteria: Invitae Variant Classification Sherloc (09022015). Collection method: clinical testing. Allele origin: germline.
Comment: This sequence change creates a premature translational stop signal (p.Pro918Glnfs*24) in the FBN1 gene. It is expected to result in an absent or disrupted protein product. Loss-of-function variants in FBN1 are known to be pathogenic (PMID: 17657824, 19293843). This variant is not present in population databases (gnomAD no frequency). This premature translational stop signal has been observed in individual(s) with Marfan syndrome (PMID: 29848614). ClinVar contains an entry for this variant (Variation ID: 1707834). For these reasons, this variant has been classified as Pathogenic.

Mayo Clinic Laboratories, Mayo Clinic
Classification: Pathogenic. Last evaluated: 2024-08-30. Review status: criteria provided, single submitter. Criteria: ACMG Guidelines, 2015. Collection method: clinical testing. Allele origin: germline. Observed: 1 variant allele.
Comment: PP4, PM2, PVS1

GeneDx
Classification: Pathogenic. Last evaluated: 2022-09-28. Review status: criteria provided, single submitter. Criteria: GeneDx Variant Classification Process June 2021. Collection method: clinical testing. Allele origin: germline. Affected: yes.
Comment: Not observed in large population cohorts (gnomAD); Frameshift variant predicted to result in protein truncation or nonsense mediated decay in a gene for which loss-of-function is a known mechanism of disease; This variant is associated with the following publications: (PMID: 29848614, 27535533)

Center for Genomics, Ann and Robert H. Lurie Children's Hospital of Chicago
Classification: Pathogenic for Geleophysic dysplasia 2; Weill-Marchesani syndrome 2, dominant; Ectopia lentis 1, isolated, autosomal dominant; MASS syndrome; Progeroid and marfanoid aspect-lipodystrophy syndrome; Acromicric dysplasia; Marfan syndrome; Stiff skin syndrome. Review status: criteria provided, single submitter. Criteria: ACMG Guidelines, 2015. Collection method: clinical testing. Allele origin: germline.
Comment: This variant has been reported in the literature in one individual with a clinical suspicion or diagnosis of Marfan syndrome (Takeda 2018 PMID: 29848614). It is not present in large control databases, but has been reported in ClinVar (Variation ID: 1707834). This variant is a deletion of one nucleotide, resulting in a frameshift and subsequent premature termination codon 24 amino acid positions downstream of this location. This is expected to result in protein truncation or loss of expression of this allele through nonsense-mediated mRNA decay; loss of function is a known mechanism of disease for this gene (Faivre 2007 PMID: 17701892). In summary, this variant is classified as pathogenic

Literature cited by the submitters: PubMed 17657824 (cited by Labcorp Genetics (formerly Invitae), Labcorp); PubMed 19293843 (cited by Labcorp Genetics (formerly Invitae), Labcorp); PubMed 29848614 (cited by Labcorp Genetics (formerly Invitae), Labcorp and Mayo Clinic Laboratories, Mayo Clinic).